The following is an entry in ClinVar:

NC_000005.9:g.(?_10264748)_(10264895_?)dup

Gene: CCT5 (chaperonin containing TCP1 subunit 5; plus strand). Cytogenetic location: 5p15.2.
Variant type: Duplication.
Identifiers: ClinVar variation 3246348 (VCV003246348.1).

ClinVar aggregate classification (germline): Uncertain significance (1 of 4 stars; one submission).

Conditions:
Hereditary sensory and autonomic neuropathy with spastic paraplegia (HSNSP). Identifiers: Orphanet 139578, MedGen C1850395, MONDO:0009748, OMIM 256840.

Submission:

Labcorp Genetics (formerly Invitae), Labcorp
Classification: Uncertain significance for Hereditary sensory and autonomic neuropathy with spastic paraplegia. Last evaluated: 2022-10-26. Review status: criteria provided, single submitter. Criteria: Invitae Variant Classification Sherloc (09022015). Collection method: clinical testing. Allele origin: unknown.
Comment: In summary, the available evidence is currently insufficient to determine the role of this variant in disease. Therefore, it has been classified as a Variant of Uncertain Significance. This variant has not been reported in the literature in individuals affected with CCT5-related conditions. This variant results in a copy number gain of the genomic region encompassing exon(s) 11 of the CCT5 gene. This region includes the termination codon of the gene. This copy number gain extends beyond the assayed region for this gene and therefore may encompass additional genes. As the precise location of this event is unknown, it may be in tandem or it may be located elsewhere in the genome.